The following is an entry in ClinVar:

NM_031407.7(HUWE1):c.7633C>T (p.Arg2545Cys)

Gene: HUWE1 (HECT, UBA and WWE domain containing E3 ubiquitin protein ligase 1; minus strand). Cytogenetic location: Xp11.22.
Variant type: single nucleotide variant.
Coding change: c.7633C>T on transcript NM_031407.7 (MANE Select); coding-DNA position 7633, C replaced by T.
Protein change: p.Arg2545Cys; replaces arginine 2545 with cysteine.
Molecular consequence: missense variant.
Genome position (GRCh38, 1-based): chrX:53,560,291, G>A on the plus strand (C>T on the coding strand, the complement: HUWE1 is on the minus strand). VCF-style: chrX-53560291-G-A. GRCh37 (hg19) VCF-style: chrX-53587252-G-A.
Other names: c.7633C>T (NM_031407.4); short protein forms R2545C.
Identifiers: ClinVar variation 976138 (VCV000976138.4), dbSNP rs2062224866, ClinGen allele CA413155155.

ClinVar aggregate classification (germline): Uncertain significance. Review status: criteria provided, multiple submitters, no conflicts (2 of 4 stars). 3 submissions from 3 submitters: Uncertain significance (3). Last evaluated 2026-01-27.

Conditions:
Intellectual developmental disorder, X-linked, syndromic, Turner type. Also called: X-linked intellectual disability, Turner type; Intellectual disability, X-linked syndromic, Turner type. Identifiers: Orphanet 3056, Orphanet 85328, MedGen C2678046, MONDO:0010407, OMIM 309590.

Submissions (3):

GeneDx
Classification: Uncertain significance. Last evaluated: 2026-01-27. Review status: criteria provided, single submitter. Criteria: GeneDx Variant Classification Process June 2021. Collection method: clinical testing. Allele origin: germline.
Comment: Not observed at significant frequency in large population cohorts (gnomAD); In silico analysis supports that this missense variant has a deleterious effect on protein structure/function; Has not been previously published as pathogenic or benign to our knowledge

Blueprint Genetics
Classification: Uncertain significance. Last evaluated: 2022-04-19. Review status: criteria provided, single submitter. Criteria: ACMG Guidelines, 2015. Collection method: clinical testing. Allele origin: germline.

Institute of Human Genetics, University of Leipzig Medical Center
Classification: Uncertain significance for Intellectual developmental disorder, X-linked, syndromic, Turner type. Last evaluated: 2018-10-02. Review status: criteria provided, single submitter. Criteria: ACMG Guidelines, 2015. Collection method: clinical testing. Allele origin: germline. Affected: yes.